The following is an entry in ClinVar:

NM_004415.4(DSP):c.576G>T (p.Leu192Phe)

Gene: DSP (desmoplakin; plus strand). Cytogenetic location: 6p24.3.
Variant type: single nucleotide variant.
Coding change: c.576G>T on transcript NM_004415.4 (MANE Select); coding-DNA position 576, G replaced by T.
Protein change: p.Leu192Phe; replaces leucine 192 with phenylalanine.
Molecular consequence: missense variant.
Genome position (GRCh38, 1-based): chr6:7,559,379, G>T. VCF-style: chr6-7559379-G-T. GRCh37 (hg19) VCF-style: chr6-7559612-G-T.
Other names: c.576G>T (NM_004415.2); c.576G>T, p.Leu192Phe (NM_001008844.3, NM_001319034.2); short protein forms L192F.
Identifiers: ClinVar variation 1024116 (VCV001024116.10), dbSNP rs1758608540, ClinGen allele CA362672814.

ClinVar aggregate classification (germline): Uncertain significance. Review status: criteria provided, multiple submitters, no conflicts (2 of 4 stars). 3 submissions from 3 submitters: Uncertain significance (3). Last evaluated 2025-11-20.

Conditions:
Cardiovascular phenotype. Identifiers: MedGen CN230736.
Cardiomyopathy (CMYO). Also called: Cardiomyopathies. Identifiers: Orphanet 167848, MedGen C0878544, MONDO:0004994, HP:0001638. Inheritance: Various modes of inheritance.
Arrhythmogenic cardiomyopathy with wooly hair and keratoderma. Also called: Dilated cardiomyopathy with woolly hair and keratoderma; PALMOPLANTAR KERATODERMA WITH LEFT VENTRICULAR CARDIOMYOPATHY AND WOOLLY HAIR; Arrhythmogenic cardiomyopathy with woolly hair and keratoderma; Carvajal syndrome. Identifiers: Orphanet 65282, MedGen C1854063, MONDO:0011581, OMIM 605676.
Arrhythmogenic right ventricular dysplasia 8 (ARVD8). Also called: Arrhythmogenic Right Ventricular Dysplasia/Cardiomyopathy 8; ARRHYTHMOGENIC RIGHT VENTRICULAR DYSPLASIA, FAMILIAL, 8; ARRHYTHMOGENIC RIGHT VENTRICULAR CARDIOMYOPATHY 8. Identifiers: MedGen C1843896, MONDO:0011831, OMIM 607450.

gnomAD v4.1: 3 of 1,612,830 alleles (0.00019%); highest among the groups gnomAD compares: Non-Finnish European, 0.00025%; no homozygotes.

Submissions (3):

Labcorp Genetics (formerly Invitae), Labcorp
Classification: Uncertain significance for Arrhythmogenic cardiomyopathy with wooly hair and keratoderma; Arrhythmogenic right ventricular dysplasia 8. Last evaluated: 2025-11-20. Review status: criteria provided, single submitter. Criteria: Invitae Variant Classification Sherloc (09022015). Collection method: clinical testing. Allele origin: germline.
Comment: This sequence change replaces leucine, which is neutral and non-polar, with phenylalanine, which is neutral and non-polar, at codon 192 of the DSP protein (p.Leu192Phe). This variant is not present in population databases (gnomAD no frequency). This variant has not been reported in the literature in individuals affected with DSP-related conditions. ClinVar contains an entry for this variant (Variation ID: 1024116). An algorithm developed to predict the effect of missense changes on protein structure and function (PolyPhen-2) suggests that this variant is likely to be disruptive. In summary, the available evidence is currently insufficient to determine the role of this variant in disease. Therefore, it has been classified as a Variant of Uncertain Significance.

Ambry Genetics
Classification: Uncertain significance for Cardiovascular phenotype. Last evaluated: 2025-11-19. Review status: criteria provided, single submitter. Criteria: Ambry Variant Classification Scheme 2023. Collection method: clinical testing. Allele origin: germline.
Comment: The p.L192F variant (also known as c.576G>T), located in coding exon 4 of the DSP gene, results from a G to T substitution at nucleotide position 576. The leucine at codon 192 is replaced by phenylalanine, an amino acid with highly similar properties. This amino acid position is highly conserved in available vertebrate species. In addition, the in silico prediction for this alteration is inconclusive. Based on the available evidence, the clinical significance of this variant remains unclear.

Color Diagnostics, LLC DBA Color Health
Classification: Uncertain significance for Cardiomyopathy. Last evaluated: 2025-06-23. Review status: criteria provided, single submitter. Criteria: ACMG Guidelines, 2015. Collection method: clinical testing. Allele origin: germline.
Comment: This missense variant replaces leucine with phenylalanine at codon 192 of the DSP protein. Computational prediction is inconclusive regarding the impact of this variant on protein structure and function. To our knowledge, functional studies have not been reported for this variant. This variant has not been reported in individuals affected with DSP-related disorders in the literature. This variant has not been identified in the general population by the Genome Aggregation Database (gnomAD). The available evidence is insufficient to determine the role of this variant in disease conclusively. Therefore, this variant is classified as a Variant of Uncertain Significance.